The following is an entry in ClinVar:

ClinVar aggregate classification (germline): Benign (1 of 4 stars; one submission).

Conditions:
Familial cancer of breast. Also called: BREAST CANCER, FAMILIAL; Hereditary breast cancer; hereditary breast carcinoma. Identifiers: Orphanet 227535, MedGen C0346153, MONDO:0016419, OMIM 114480. Disease mechanism: loss of function.

Submission:

Myriad Genetics, Inc.
Classification: Benign for Familial cancer of breast. Last evaluated: 2024-05-08. Review status: criteria provided, single submitter. Criteria: Myriad Autosomal Dominant, Autosomal Recessive and X-Linked Classification Criteria (2023). Collection method: clinical testing. Allele origin: unknown.
Comment: This variant is considered benign. This variant is a silent/synonymous amino acid change and it is not expected to impact splicing.

NM_000051.4(ATM):c.2413C>A (p.Arg805=)

Gene: ATM (ATM serine/threonine kinase; plus strand). Cytogenetic location: 11q22.3.
Variant type: single nucleotide variant.
Coding change: c.2413C>A on transcript NM_000051.4 (MANE Select); coding-DNA position 2413, C replaced by A.
Protein change: p.Arg805=; no amino-acid change (arginine 805 retained).
Molecular consequence: synonymous variant.
Genome position (GRCh38, 1-based): chr11:108,259,022, C>A. VCF-style: chr11-108259022-C-A. GRCh37 (hg19) VCF-style: chr11-108129749-C-A.
Other names: c.2413C>A, p.Arg805= (NM_001351834.2).
Identifiers: ClinVar variation 3254182 (VCV003254182.1), dbSNP rs780619951.
Genomic context (GRCh38, chr11:108,259,022, plus strand): 5'-GTTCTTTGTTTGTCTTAATTGCAGAAGAGTCCAAATAAGATTGCATCTGGCTTTTTCCTG[C>A]GATTGTTAACATCAAAGCTAATGAATGACATTGCAGATATTTGTAAAAGTTTAGTAAGTA-3'
Protein context (NP_000042.3, residues 795-815): PNKIASGFFL[Arg805=]LLTSKLMNDI